The following is an entry in ClinVar:

ClinVar aggregate classification (germline): Benign/Likely benign. Review status: criteria provided, multiple submitters, no conflicts (2 of 4 stars). 9 submissions from 7 submitters: Benign (8); Likely benign (1). Last evaluated 2026-02-04.

Conditions:
Schwartz-Jampel syndrome. Also called: Myotonic myopathy dwarfism chondrodystrophy and ocular and facial abnormalities. Identifiers: Orphanet 800, MedGen C0036391, MONDO:0009717.
Lethal Kniest-like syndrome (DDSH). Also called: Dyssegmental Dysplasia. Identifiers: Orphanet 1865, MedGen C1857100, MONDO:0009140, OMIM 224410.

Allele frequency attached by ClinVar (database versions not stated): TOPMed 0.12227; ESP Exome Variant Server 0.12463; gnomAD 0.12760 and 0.13433; 1000 Genomes Project 30x 0.15162; 1000 Genomes Project 0.15216; gnomAD exomes 0.16961; ExAC 0.17280.
gnomAD v4.1: 279,021 of 1,613,874 alleles (17%); highest among the groups gnomAD compares: South Asian, 27%; 25,900 homozygotes.

Submissions (9):

Labcorp Genetics (formerly Invitae), Labcorp
Classification: Benign. Last evaluated: 2026-02-04. Review status: criteria provided, single submitter. Criteria: Invitae Variant Classification Sherloc (09022015). Collection method: clinical testing. Allele origin: germline.

Blueprint Genetics
Classification: Likely benign. Last evaluated: 2024-11-26. Review status: criteria provided, single submitter. Criteria: ACMG Guidelines, 2015. Collection method: clinical testing. Allele origin: germline.

Genome-Nilou Lab
Classification: Benign for Lethal Kniest-like syndrome. Last evaluated: 2021-08-10. Review status: criteria provided, single submitter. Criteria: ACMG Guidelines, 2015. Collection method: clinical testing. Allele origin: germline. Affected: no.

Genome-Nilou Lab
Classification: Benign for Schwartz-Jampel syndrome type 1. Last evaluated: 2021-08-10. Review status: criteria provided, single submitter. Criteria: ACMG Guidelines, 2015. Collection method: clinical testing. Allele origin: germline. Affected: no.

Athena Diagnostics
Classification: Benign. Last evaluated: 2019-02-08. Review status: criteria provided, single submitter. Criteria: Athena Diagnostics Criteria. Collection method: clinical testing. Allele origin: germline.

GeneDx
Classification: Benign. Last evaluated: 2018-08-19. Review status: criteria provided, single submitter. Criteria: GeneDx Variant Classification Process June 2021. Collection method: clinical testing. Allele origin: germline. Affected: yes.

Illumina Laboratory Services, Illumina
Classification: Benign for Lethal Kniest-like syndrome. Last evaluated: 2018-01-13. Review status: criteria provided, single submitter. Criteria: ICSL Variant Classification Criteria 13 December 2019. Collection method: clinical testing. Allele origin: germline.
Comment: This variant was observed in the ICSL laboratory as part of a predisposition screen in an ostensibly healthy population. It had not been previously curated by ICSL or reported in the Human Gene Mutation Database (HGMD: prior to June 1st, 2018), and was therefore a candidate for classification through an automated scoring system. Utilizing variant allele frequency, disease prevalence and penetrance estimates, and inheritance mode, an automated score was calculated to assess if this variant is too frequent to cause the disease. Based on the score and internal cut-off values, a variant classified as benign is not then subjected to further curation. The score for this variant resulted in a classification of benign for this disease.

Illumina Laboratory Services, Illumina
Classification: Benign for Schwartz-Jampel syndrome type 1. Last evaluated: 2018-01-13. Review status: criteria provided, single submitter. Criteria: ICSL Variant Classification Criteria 13 December 2019. Collection method: clinical testing. Allele origin: germline.
Comment: the same text as in the submission from Illumina Laboratory Services, Illumina above.

Breakthrough Genomics
Classification: Benign. Review status: criteria provided, single submitter. Criteria: ACMG Guidelines, 2015. Collection method: not provided. Allele origin: germline. Inheritance: Autosomal recessive inheritance. Affected: yes.

NM_005529.7(HSPG2):c.9766C>T (p.His3256Tyr)

Gene: HSPG2 (heparan sulfate proteoglycan 2; minus strand). Cytogenetic location: 1p36.12.
Variant type: single nucleotide variant.
Coding change: c.9766C>T on transcript NM_005529.7 (MANE Select); coding-DNA position 9766, C replaced by T.
Protein change: p.His3256Tyr; replaces histidine 3256 with tyrosine.
Molecular consequence: missense variant.
Genome position (GRCh38, 1-based): chr1:21,839,494, G>A on the plus strand (C>T on the coding strand, the complement: HSPG2 is on the minus strand). VCF-style: chr1-21839494-G-A. GRCh37 (hg19) VCF-style: chr1-22165987-G-A.
Other names: c.9769C>T, p.His3257Tyr (NM_001291860.2); short protein forms H3256Y, H3257Y.
Identifiers: ClinVar variation 295753 (VCV000295753.19), dbSNP rs2291827, ClinGen allele CA670338.